The following is an entry in ClinVar:

ClinVar aggregate classification (germline): Pathogenic (1 of 4 stars; one submission).

Submission:

Clinical Genomics Laboratory, Laboratory for Precision Diagnostics, University of Washington
Classification: Pathogenic. Last evaluated: 2022-07-24. Review status: criteria provided, single submitter. Criteria: ACMG/ClinGen CNV Guidelines, 2019. Collection method: clinical testing. Allele origin: unknown. Affected: yes. Observed: 1 variant allele.
Comment: This is the recurrent Xq28 int22h1/int22h2-mediated microdeletion.

Literature cited by the submitters: PubMed 25927380.

GRCh38/hg38 Xq28(chrX:154890748-155334361)x1

Genes: BRCC3 (BRCA1/BRCA2-containing complex subunit 3; plus strand), CLIC2 (CLIC family member 2; minus strand), CMC4 (C-X9-C motif containing 4; minus strand), F8 (coagulation factor VIII; minus strand), FUNDC2 (FUN14 domain containing 2; plus strand) and 16 more. Cytogenetic location: Xq28.
Variant type: copy number loss.
Change: copy number 1 of chrX:154,890,748-155,334,361 (443.6 kb, GRCh38 coordinates, 1-based), cytogenetic band Xq28.
Identifiers: ClinVar variation 4852102 (VCV004852102.1).